The following is an entry in ClinVar:

NM_000170.3(GLDC):c.2576T>A (p.Val859Glu)

Gene: GLDC (glycine decarboxylase; minus strand). Cytogenetic location: 9p24.1.
Variant type: single nucleotide variant.
Coding change: c.2576T>A on transcript NM_000170.3 (MANE Select); coding-DNA position 2576, T replaced by A.
Protein change: p.Val859Glu; replaces valine 859 with glutamic acid.
Molecular consequence: missense variant.
Genome position (GRCh38, 1-based): chr9:6,540,140, A>T on the plus strand (T>A on the coding strand, the complement: GLDC is on the minus strand). VCF-style: chr9-6540140-A-T. GRCh37 (hg19) VCF-style: chr9-6540140-A-T.
Other names: short protein forms V859E.
Identifiers: ClinVar variation 1349939 (VCV001349939.8), dbSNP rs2129663404, ClinGen allele CA372883780.

ClinVar aggregate classification (germline): Uncertain significance (1 of 4 stars; one submission).

Conditions:
Glycine encephalopathy. Also called: Non-ketotic hyperglycinemia; Nonketotic hyperglycinemia. Identifiers: Orphanet 407, MedGen C0751748, MONDO:0011612, HP:0008288.

Submission:

Labcorp Genetics (formerly Invitae), Labcorp
Classification: Uncertain significance for Glycine encephalopathy. Last evaluated: 2021-04-29. Review status: criteria provided, single submitter. Criteria: Invitae Variant Classification Sherloc (09022015). Collection method: clinical testing. Allele origin: germline.
Comment: Advanced modeling of protein sequence and biophysical properties (such as structural, functional, and spatial information, amino acid conservation, physicochemical variation, residue mobility, and thermodynamic stability) performed at Invitae indicates that this missense variant is expected to disrupt GLDC protein function. This variant has not been reported in the literature in individuals with GLDC-related conditions. This variant is not present in population databases (ExAC no frequency). This sequence change replaces valine with glutamic acid at codon 859 of the GLDC protein (p.Val859Glu). The valine residue is highly conserved and there is a moderate physicochemical difference between valine and glutamic acid. In summary, the available evidence is currently insufficient to determine the role of this variant in disease. Therefore, it has been classified as a Variant of Uncertain Significance.